The following is an entry in ClinVar:

NM_174936.4(PCSK9):c.1334C>G (p.Pro445Arg)

Gene: PCSK9 (proprotein convertase subtilisin/kexin type 9; plus strand). Cytogenetic location: 1p32.3.
Variant type: single nucleotide variant.
Coding change: c.1334C>G on transcript NM_174936.4 (MANE Select); coding-DNA position 1334, C replaced by G.
Protein change: p.Pro445Arg; replaces proline 445 with arginine.
Molecular consequence: missense variant. On other transcripts: non-coding transcript variant (5), intron variant (2).
Genome position (GRCh38, 1-based): chr1:55,058,189, C>G. VCF-style: chr1-55058189-C-G. GRCh37 (hg19) VCF-style: chr1-55523862-C-G.
Other names: c.1457C>G, p.Pro486Arg (NM_001407240.1); c.1334C>G, p.Pro445Arg (NM_001407241.1); c.1337C>G, p.Pro446Arg (NM_001407242.1); c.1277C>G, p.Pro426Arg (NM_001407243.1); c.1142C>G, p.Pro381Arg (NM_001407245.1); c.959C>G, p.Pro320Arg (NM_001407246.1); c.1181-310C>G (NM_001407244.1); c.1180+675C>G (NM_001407247.1); short protein forms P320R, P381R, P426R, P445R, P446R, P486R.
Identifiers: ClinVar variation 3070371 (VCV003070371.2), dbSNP rs769060209, ClinGen allele CA22764265.

ClinVar aggregate classification (germline): Uncertain significance. Review status: criteria provided, multiple submitters, no conflicts (2 of 4 stars). 2 submissions from 2 submitters: Uncertain significance (2). Last evaluated 2026-05-08.

Conditions:
Hypercholesterolemia, autosomal dominant, 3 (FHCL3). Also called: Familial Hypercholesterolemia, Autosomal Dominant, 3; PCSK9-Related Familial Hypercholesterolemia, Autosomal Dominant; Familial hypercholesterolemia 3. Identifiers: MedGen C1863551, MONDO:0011369, OMIM 603776.

gnomAD v4.1: 13 of 1,613,078 alleles (0.00081%); highest among the groups gnomAD compares: Non-Finnish European, 0.001%; no homozygotes.

Submissions (2):

Women's Health and Genetics/Laboratory Corporation of America, LabCorp
Classification: Uncertain significance. Last evaluated: 2026-05-08. Review status: criteria provided, single submitter. Criteria: LabCorp Variant Classification Summary - May 2015. Collection method: clinical testing. Allele origin: germline.

All of Us Research Program, National Institutes of Health
Classification: Uncertain significance for Hypercholesterolemia, autosomal dominant, 3. Last evaluated: 2023-08-15. Review status: criteria provided, single submitter. Criteria: ACMG Guidelines, 2015. Collection method: clinical testing. Allele origin: germline. Inheritance: Autosomal dominant inheritance. Observed: 2 variant alleles, 2 heterozygotes.
Comment: This missense variant replaces proline with arginine at codon 445 of the PCSK9 protein. Computational prediction suggests that this variant may not impact protein structure and function (internally defined REVEL score threshold <= 0.5, PMID: 27666373). To our knowledge, functional studies have not been reported for this variant. This variant has not been reported in individuals affected with PCSK9-related disorders in the literature. This variant has been identified in 2/249086 chromosomes in the general population by the Genome Aggregation Database (gnomAD). The available evidence is insufficient to determine the role of this variant in disease conclusively. Therefore, this variant is classified as a Variant of Uncertain Significance.

This study involves interpretation of variants in research participants for the purpose of population health screening. Participant phenotype was not available at the time of variant classification. Additional details can be found in publication PMID: 35346344, PMCID: PMC8962531